The following is an entry in ClinVar:

NM_001271.4(CHD2):c.4137+250T>C

Gene: CHD2 (chromodomain helicase DNA binding protein 2; plus strand). Cytogenetic location: 15q26.1.
Variant type: single nucleotide variant.
Coding change: c.4137+250T>C on transcript NM_001271.4 (MANE Select); 250 bases into the intron after coding-DNA position 4137, T replaced by C.
Molecular consequence: intron variant.
Genome position (GRCh38, 1-based): chr15:93,000,890, T>C. VCF-style: chr15-93000890-T-C. GRCh37 (hg19) VCF-style: chr15-93544120-T-C.
Identifiers: ClinVar variation 671759 (VCV000671759.1), dbSNP rs145315742, ClinGen allele CA274874150.

ClinVar aggregate classification (germline): Likely benign (1 of 4 stars; one submission).

Allele frequency attached by ClinVar (database versions not stated): 1000 Genomes Project 0.00359; 1000 Genomes Project 30x 0.00406; gnomAD 0.00416 and 0.00453; TOPMed 0.00437.
gnomAD v4.1: 630 of 152,342 alleles (0.41%); highest among the groups gnomAD compares: African/African-American, 1.5%; 7 homozygotes.

Submission:

GeneDx
Classification: Likely benign. Last evaluated: 2018-06-19. Review status: criteria provided, single submitter. Criteria: GeneDx Variant Classification (06012015). Collection method: clinical testing. Allele origin: germline. Affected: yes.
Comment: This variant is considered likely benign or benign based on one or more of the following criteria: it is a conservative change, it occurs at a poorly conserved position in the protein, it is predicted to be benign by multiple in silico algorithms, and/or has population frequency not consistent with disease.